The following is an entry in ClinVar:

NM_000883.4(IMPDH1):c.1052C>A (p.Ala351Glu)

Gene: IMPDH1 (inosine monophosphate dehydrogenase 1; minus strand). Cytogenetic location: 7q32.1.
Variant type: single nucleotide variant.
Coding change: c.1052C>A on transcript NM_000883.4 (MANE Select); coding-DNA position 1052, C replaced by A.
Protein change: p.Ala351Glu; replaces alanine 351 with glutamic acid.
Molecular consequence: missense variant.
Genome position (GRCh38, 1-based): chr7:128,398,436, G>T on the plus strand (C>A on the coding strand, the complement: IMPDH1 is on the minus strand). VCF-style: chr7-128398436-G-T. GRCh37 (hg19) VCF-style: chr7-128038490-G-T.
Other names: c.1022C>A, p.Ala341Glu (NM_001102605.2); c.797C>A, p.Ala266Glu (NM_001142573.2); c.782C>A, p.Ala261Glu (NM_001142574.2); c.722C>A, p.Ala241Glu (NM_001142575.2); c.953C>A, p.Ala318Glu (NM_001142576.2); c.845C>A, p.Ala282Glu (NM_001304521.2); c.944C>A, p.Ala315Glu (NM_183243.3); short protein forms A241E, A261E, A266E, A282E, A315E, A318E, A341E, A351E.
Identifiers: ClinVar variation 1026578 (VCV001026578.9), dbSNP rs748397513, ClinGen allele CA369167963.
Genomic context (GRCh38, chr7:128,398,436, plus strand): 5'-CTCATCCATCTCCCCCACCACTCAGGCGGGGGCCTTACCAAGACTATGACGTCGACGCCC[G>T]CCTGGGTGAGCAGGTCCAGACGGTATTTGTCATCCTCACGGGTGCCCACAGCTGCCCCAC-3'
Protein context (NP_000874.2, residues 341-361): DKYRLDLLTQ[Ala351Glu]GVDVIVLDSS

ClinVar aggregate classification (germline): Uncertain significance (1 of 4 stars; one submission).

Allele frequency attached by ClinVar (database versions not stated): TOPMed 0.00001.
gnomAD v4.1: 8 of 1,613,188 alleles (0.0005%); highest among the groups gnomAD compares: Non-Finnish European, 0.00059%; no homozygotes.

Submission:

Labcorp Genetics (formerly Invitae), Labcorp
Classification: Uncertain significance. Last evaluated: 2020-04-17. Review status: criteria provided, single submitter. Criteria: Invitae Variant Classification Sherloc (09022015). Collection method: clinical testing. Allele origin: germline.
Comment: This sequence change replaces alanine with glutamic acid at codon 351 of the IMPDH1 protein (p.Ala351Glu). The alanine residue is highly conserved and there is a moderate physicochemical difference between alanine and glutamic acid. This variant is not present in population databases (ExAC no frequency). This variant has not been reported in the literature in individuals with IMPDH1-related conditions. Algorithms developed to predict the effect of missense changes on protein structure and function are either unavailable or do not agree on the potential impact of this missense change (SIFT: "Deleterious"; PolyPhen-2: "Probably Damaging"; Align-GVGD: "Class C0"). In summary, the available evidence is currently insufficient to determine the role of this variant in disease. Therefore, it has been classified as a Variant of Uncertain Significance.